The following is an entry in ClinVar:

NM_001458.5(FLNC):c.3862G>A (p.Val1288Met)

Gene: FLNC (filamin C; plus strand). Cytogenetic location: 7q32.1.
Variant type: single nucleotide variant.
Coding change: c.3862G>A on transcript NM_001458.5 (MANE Select); coding-DNA position 3862, G replaced by A.
Protein change: p.Val1288Met; replaces valine 1288 with methionine.
Molecular consequence: missense variant.
Genome position (GRCh38, 1-based): chr7:128,846,061, G>A. VCF-style: chr7-128846061-G-A. GRCh37 (hg19) VCF-style: chr7-128486115-G-A.
Other names: c.3862G>A, p.Val1288Met (NM_001127487.2); short protein forms V1288M.
Identifiers: ClinVar variation 666175 (VCV000666175.8), dbSNP rs750415476, ClinGen allele CA4475159.

ClinVar aggregate classification (germline): Uncertain significance. Review status: criteria provided, multiple submitters, no conflicts (2 of 4 stars). 2 submissions from 2 submitters: Uncertain significance (2). Last evaluated 2025-12-20.

Conditions:
Myofibrillar myopathy 5. Also called: FILAMINOPATHY, AUTOSOMAL DOMINANT; Filaminopathy (type). Identifiers: Orphanet 171445, MedGen C1836050, MONDO:0012289, OMIM 609524.
Hypertrophic cardiomyopathy 26. Also called: Cardiomyopathy, familial hypertrophic, 26. Identifiers: Orphanet 75249, MedGen C4310749, MONDO:0014883, OMIM 617047.
Distal myopathy with posterior leg and anterior hand involvement. Also called: WILLIAMS DISTAL MYOPATHY. Identifiers: Orphanet 63273, MedGen C3279722, MONDO:0013550, OMIM 614065.

Allele frequency attached by ClinVar (database versions not stated): gnomAD exomes below 0.00001; TOPMed below 0.00001; ExAC 0.00002.

Submissions (2):

Labcorp Genetics (formerly Invitae), Labcorp
Classification: Uncertain significance for Distal myopathy with posterior leg and anterior hand involvement; Myofibrillar myopathy 5; Hypertrophic cardiomyopathy 26. Last evaluated: 2025-12-20. Review status: criteria provided, single submitter. Criteria: Invitae Variant Classification Sherloc (09022015). Collection method: clinical testing. Allele origin: germline.
Comment: This sequence change replaces valine, which is neutral and non-polar, with methionine, which is neutral and non-polar, at codon 1288 of the FLNC protein (p.Val1288Met). This variant is present in population databases (rs750415476, gnomAD 0.0009%). This variant has not been reported in the literature in individuals affected with FLNC-related conditions. ClinVar contains an entry for this variant (Variation ID: 666175). Invitae Evidence Modeling of protein sequence and biophysical properties (such as structural, functional, and spatial information, amino acid conservation, physicochemical variation, residue mobility, and thermodynamic stability) has been performed for this missense variant. However, the output from this modeling did not meet the statistical confidence thresholds required to predict the impact of this variant on FLNC protein function. In summary, the available evidence is currently insufficient to determine the role of this variant in disease. Therefore, it has been classified as a Variant of Uncertain Significance.

Blueprint Genetics
Classification: Uncertain significance. Last evaluated: 2021-05-11. Review status: criteria provided, single submitter. Criteria: ACMG Guidelines, 2015. Collection method: clinical testing. Allele origin: germline.